The following is an entry in ClinVar:

NM_033641.4(COL4A6):c.2394G>A (p.Glu798=)

Gene: COL4A6 (collagen type IV alpha 6 chain; minus strand). Cytogenetic location: Xq22.3.
Variant type: single nucleotide variant.
Coding change: c.2394G>A on transcript NM_033641.4 (MANE Select); coding-DNA position 2394, G replaced by A.
Protein change: p.Glu798=; no amino-acid change (glutamic acid 798 retained).
Molecular consequence: synonymous variant.
Genome position (GRCh38, 1-based): chrX:108,178,805, C>T on the plus strand (G>A on the coding strand, the complement: COL4A6 is on the minus strand). VCF-style: chrX-108178805-C-T. GRCh37 (hg19) VCF-style: chrX-107422035-C-T.
Other names: c.2445G>A, p.Glu815= (NM_001287758.2); c.2394G>A, p.Glu798= (NM_001287759.2, NM_001287760.2); c.2397G>A, p.Glu799= (NM_001847.4).
Identifiers: ClinVar variation 2046754 (VCV002046754.4), dbSNP rs781758696, ClinGen allele CA10487627.

ClinVar aggregate classification (germline): Uncertain significance (1 of 4 stars; one submission).

Allele frequency attached by ClinVar (database versions not stated): gnomAD exomes 0.00001; TOPMed 0.00001; gnomAD 0.00002; ExAC 0.00002.
gnomAD v4.1: 17 of 1,209,735 alleles (0.0014%); highest among the groups gnomAD compares: South Asian, 0.023%; no homozygotes.

Submission:

Labcorp Genetics (formerly Invitae), Labcorp
Classification: Uncertain significance. Last evaluated: 2022-04-01. Review status: criteria provided, single submitter. Criteria: Invitae Variant Classification Sherloc (09022015). Collection method: clinical testing. Allele origin: germline.
Comment: In summary, the available evidence is currently insufficient to determine the role of this variant in disease. Therefore, it has been classified as a Variant of Uncertain Significance. Algorithms developed to predict the effect of sequence changes on RNA splicing suggest that this variant may disrupt the consensus splice site. This variant has not been reported in the literature in individuals affected with COL4A6-related conditions. This variant is present in population databases (rs781758696, gnomAD 0.008%). This sequence change affects codon 799 of the COL4A6 mRNA. It is a 'silent' change, meaning that it does not change the encoded amino acid sequence of the COL4A6 protein.